The following is an entry in ClinVar:

ClinVar aggregate classification (germline): Uncertain significance (1 of 4 stars; one submission).

Conditions:
Retinoblastoma (RB1). Also called: RETINOBLASTOMA, SOMATIC. Identifiers: Orphanet 790, MedGen C0035335, MeSH D012175, MONDO:0008380, OMIM 180200, HP:0009919. Disease mechanism: loss of function. Inheritance: Both sporadic and heritable forms are tested..

Submission:

Color Diagnostics, LLC DBA Color Health
Classification: Uncertain significance for Retinoblastoma. Last evaluated: 2025-07-02. Review status: criteria provided, single submitter. Criteria: ACMG Guidelines, 2015. Collection method: clinical testing. Allele origin: germline.
Comment: This missense variant replaces arginine with glycine at codon 556 of the RB1 protein. Computational prediction is inconclusive regarding the impact of this variant on protein structure and function. To our knowledge, functional studies have not been reported for this variant. This variant has not been reported in individuals affected with RB1-related disorders in the literature. This variant has not been identified in the general population by the Genome Aggregation Database (gnomAD). The available evidence is insufficient to determine the role of this variant in disease conclusively. Therefore, this variant is classified as a Variant of Uncertain Significance.

NM_000321.3(RB1):c.1666C>G (p.Arg556Gly)

Gene: RB1 (RB transcriptional corepressor 1; plus strand). Cytogenetic location: 13q14.2.
Variant type: single nucleotide variant.
Coding change: c.1666C>G on transcript NM_000321.3 (MANE Select); coding-DNA position 1666, C replaced by G.
Protein change: p.Arg556Gly; replaces arginine 556 with glycine.
Molecular consequence: missense variant.
Genome position (GRCh38, 1-based): chr13:48,381,414, C>G. VCF-style: chr13-48381414-C-G. GRCh37 (hg19) VCF-style: chr13-48955550-C-G.
Other names: c.1666C>G, p.Arg556Gly (NM_001407165.1, NM_001407166.1); short protein forms R556G.
Identifiers: ClinVar variation 4757235 (VCV004757235.1).